The following is an entry in ClinVar:

ClinVar aggregate classification (germline): Conflicting classifications of pathogenicity. Review status: criteria provided, conflicting classifications (1 of 4 stars). 3 submissions from 3 submitters: Uncertain significance (2); Likely benign (1). Last evaluated 2025-12-24.

Conditions:
Inborn genetic diseases. Identifiers: MedGen C0950123, MeSH D030342.
TBCD-related disorder. Also called: TBCD-related condition.

Allele frequency attached by ClinVar (database versions not stated): gnomAD exomes 0.00006 and 0.00009; ExAC 0.00011; 1000 Genomes Project 30x 0.00016; gnomAD 0.00018; 1000 Genomes Project 0.00020; TOPMed 0.00028.
gnomAD v4.1: 124 of 1,611,626 alleles (0.0077%); highest among the groups gnomAD compares: African/African-American, 0.052%; no homozygotes.

Submissions (3):

Labcorp Genetics (formerly Invitae), Labcorp
Classification: Likely benign. Last evaluated: 2025-12-24. Review status: criteria provided, single submitter. Criteria: Invitae Variant Classification Sherloc (09022015). Collection method: clinical testing. Allele origin: germline.

Ambry Genetics
Classification: Uncertain significance for Inborn genetic diseases. Last evaluated: 2024-12-09. Review status: criteria provided, single submitter. Criteria: Ambry Variant Classification Scheme 2023. Collection method: clinical testing. Allele origin: germline.

PreventionGenetics, part of Exact Sciences
Classification: Uncertain significance for TBCD-related condition. Last evaluated: 2024-11-14. Review status: criteria provided, single submitter. Criteria: ACMG Guidelines, 2015. Collection method: clinical testing. Allele origin: germline.
Comment: The TBCD c.1301C>T variant is predicted to result in the amino acid substitution p.Pro434Leu. To our knowledge, this variant has not been reported in the literature. This variant is reported in 0.037% of alleles in individuals of African descent in gnomAD. At this time, the clinical significance of this variant is uncertain due to the absence of conclusive functional and genetic evidence.

NM_005993.5(TBCD):c.1301C>T (p.Pro434Leu)

Gene: TBCD (tubulin folding cofactor D). Cytogenetic location: 17q25.3.
Variant type: single nucleotide variant.
Coding change: c.1301C>T on transcript NM_005993.5 (MANE Select); coding-DNA position 1301, C replaced by T.
Protein change: p.Pro434Leu; replaces proline 434 with leucine.
Molecular consequence: missense variant.
Genome position (GRCh38, 1-based): chr17:82,814,917, C>T. VCF-style: chr17-82814917-C-T. GRCh37 (hg19) VCF-style: chr17-80772793-C-T.
Other names: c.1301C>T (NM_005993.4); short protein forms P434L.
Identifiers: ClinVar variation 1489046 (VCV001489046.8), dbSNP rs201042677, ClinGen allele CA8861980.